The following is an entry in ClinVar:

NM_000552.5(VWF):c.7887+1G>A

Gene: VWF (von Willebrand factor; minus strand). Cytogenetic location: 12p13.31.
Variant type: single nucleotide variant.
Coding change: c.7887+1G>A on transcript NM_000552.5 (MANE Select); the canonical splice donor site of the intron after coding-DNA position 7887, G replaced by A.
Molecular consequence: splice donor variant.
Genome position (GRCh38, 1-based): chr12:5,967,485, C>T on the plus strand (G>A on the coding strand, the complement: VWF is on the minus strand). VCF-style: chr12-5967485-C-T. GRCh37 (hg19) VCF-style: chr12-6076651-C-T.
Other names: p.?.
Identifiers: ClinVar variation 3381075 (VCV003381075.1).
Genomic context (GRCh38, chr12:5,967,485, plus strand): 5'-CACTGCCTGGGTCCCACACGCGTCCAGTCCATGCCCTCGGTCCCCATTGAGCCTCTCTTA[C>T]CAGGGGGCAGGGGTTGCAGGTGGTCTTCCTGCACTCCAGCTTGAATCCAGAGATGACCCC-3'

ClinVar aggregate classification (germline): Likely pathogenic (1 of 4 stars; one submission).

gnomAD v4.1: 1 of 1,614,092 alleles (0.000062%); no homozygotes.

Submission:

Mayo Clinic Laboratories, Mayo Clinic
Classification: Likely pathogenic. Last evaluated: 2023-06-30. Review status: criteria provided, single submitter. Criteria: ACMG Guidelines, 2015. Collection method: clinical testing. Allele origin: germline. Observed: 1 variant allele.
Comment: PM2_moderate, PVS1_strong